The following is an entry in ClinVar:

NM_001267550.2(TTN):c.55659G>A (p.Val18553=)

Genes: TTN (titin; minus strand), TTN-AS1 (TTN antisense RNA 1; plus strand). Cytogenetic location: 2q31.2.
Variant type: single nucleotide variant.
Coding change: c.55659G>A on transcript NM_001267550.2 (MANE Select); coding-DNA position 55659, G replaced by A.
Protein change: p.Val18553=; no amino-acid change (valine 18553 retained).
Molecular consequence: synonymous variant.
Genome position (GRCh38, 1-based): chr2:178,601,338, C>T on the plus strand (G>A on the coding strand, the complement: TTN is on the minus strand). VCF-style: chr2-178601338-C-T. GRCh37 (hg19) VCF-style: chr2-179466065-C-T.
Other names: c.50736G>A, p.Val16912= (NM_001256850.1); c.28464G>A, p.Val9488= (NM_003319.4); c.47955G>A, p.Val15985= (NM_133378.4); c.28839G>A, p.Val9613= (NM_133432.3); c.29040G>A, p.Val9680= (NM_133437.4); c.55659G>A (NM_001267550.1).
Identifiers: ClinVar variation 263665 (VCV000263665.25), dbSNP rs368450420, ClinGen allele CA1993416.

ClinVar aggregate classification (germline): Conflicting classifications of pathogenicity. Review status: criteria provided, conflicting classifications (1 of 4 stars). 12 submissions from 12 submitters: Uncertain significance (1); Benign (5); Likely benign (4). 2 of the submissions do not count toward it. Last evaluated 2026-01-26.

Conditions:
TTN-related disorder. Also called: TTN-related condition; TTN-related disease; TTN-related disorders.
Cardiovascular phenotype. Identifiers: MedGen CN230736.
Autosomal recessive limb-girdle muscular dystrophy type 2J (LGMDR10). Also called: MUSCULAR DYSTROPHY, LIMB-GIRDLE, AUTOSOMAL RECESSIVE 10; Limb-girdle muscular dystrophy, type 2J. Identifiers: Orphanet 140922, MedGen C1837342, MONDO:0012127, OMIM 608807.
Dilated cardiomyopathy 1G (CMD1G). Identifiers: Orphanet 154, MedGen C1858763, MONDO:0011400, OMIM 604145.
Cardiomyopathy (CMYO). Also called: Cardiomyopathies. Identifiers: Orphanet 167848, MedGen C0878544, MONDO:0004994, HP:0001638. Inheritance: Various modes of inheritance.

Allele frequency attached by ClinVar (database versions not stated): gnomAD exomes 0.00005 and 0.00019; ExAC 0.00024; gnomAD 0.00060 and 0.00063; TOPMed 0.00076; 1000 Genomes Project 0.00080; ESP Exome Variant Server 0.00083; 1000 Genomes Project 30x 0.00109.
gnomAD v4.1: 166 of 1,610,336 alleles (0.01%); highest among the groups gnomAD compares: African/African-American, 0.18%; 1 homozygote.

Submissions (12):

Labcorp Genetics (formerly Invitae), Labcorp
Classification: Benign for Dilated cardiomyopathy 1G; Autosomal recessive limb-girdle muscular dystrophy type 2J. Last evaluated: 2026-01-26. Review status: criteria provided, single submitter. Criteria: Invitae Variant Classification Sherloc (09022015). Collection method: clinical testing. Allele origin: germline.

PreventionGenetics, part of Exact Sciences
Classification: Likely benign for TTN-related condition. Last evaluated: 2025-08-12. Review status: criteria provided, single submitter. Criteria: ACMG Guidelines, 2015. Collection method: clinical testing. Allele origin: germline.
Comment: This variant is classified as likely benign based on ACMG/AMP sequence variant interpretation guidelines (Richards et al. 2015 PMID: 25741868, with internal and published modifications).

Molecular Diagnostic Laboratory for Inherited Cardiovascular Disease, Montreal Heart Institute
Classification: Benign. Last evaluated: 2025-07-24. Review status: criteria provided, single submitter. Criteria: ACMG Guidelines, 2015. Collection method: clinical testing. Allele origin: germline. Affected: no.

Athena Diagnostics
Classification: Benign. Last evaluated: 2024-05-20. Review status: criteria provided, single submitter. Criteria: Athena Diagnostics Criteria. Collection method: clinical testing. Allele origin: unknown.

Blueprint Genetics
Classification: Likely benign. Last evaluated: 2024-05-13. Review status: criteria provided, single submitter. Criteria: ACMG Guidelines, 2015. Collection method: clinical testing. Allele origin: germline.

CHEO Genetics Diagnostic Laboratory, Children's Hospital of Eastern Ontario
Classification: Benign for Cardiomyopathy. Last evaluated: 2023-06-21. Review status: criteria provided, single submitter. Criteria: ACMG Guidelines, 2015. Collection method: clinical testing. Allele origin: germline.

Women's Health and Genetics/Laboratory Corporation of America, LabCorp
Classification: Likely benign. Last evaluated: 2021-04-15. Review status: criteria provided, single submitter. Criteria: LabCorp Variant Classification Summary - May 2015. Collection method: clinical testing. Allele origin: germline.

Eurofins Ntd Llc (ga)
Classification: Uncertain significance. Last evaluated: 2018-01-04. Review status: criteria provided, single submitter. Criteria: EGL Classification Definitions 2015. Collection method: clinical testing. Allele origin: germline. Observed: 2 variant alleles, 2 heterozygotes.

GeneDx
Classification: Benign. Last evaluated: 2015-06-11. Review status: criteria provided, single submitter. Criteria: GeneDx Variant Classification (06012015). Collection method: clinical testing. Allele origin: germline. Affected: yes.
Comment: This variant is considered likely benign or benign based on one or more of the following criteria: it is a conservative change, it occurs at a poorly conserved position in the protein, it is predicted to be benign by multiple in silico algorithms, and/or has population frequency not consistent with disease.

Ambry Genetics
Classification: Likely benign for Cardiovascular phenotype. Last evaluated: 2013-06-11. Review status: criteria provided, single submitter. Criteria: Ambry Autosomal Dominant and X-Linked criteria (10/2015). Collection method: clinical testing. Allele origin: germline. Observed: 1 variant allele.

Clinical Genetics DNA and cytogenetics Diagnostics Lab, Erasmus MC, Erasmus Medical Center
Classification: Likely benign. Review status: no assertion criteria provided. Collection method: clinical testing. Allele origin: germline. Affected: yes. Study: VKGL Data-share Consensus. Not counted in ClinVar's aggregate classification.

Clinical Genetics, Academic Medical Center
Classification: Benign. Review status: no assertion criteria provided. Collection method: clinical testing. Allele origin: germline. Affected: yes. Study: VKGL Data-share Consensus. Not counted in ClinVar's aggregate classification.